The following is an entry in ClinVar:

NM_014822.4(SEC24D):c.188C>T (p.Pro63Leu)

Gene: SEC24D (SEC24 homolog D, COPII component; minus strand). Cytogenetic location: 4q26.
Variant type: single nucleotide variant.
Coding change: c.188C>T on transcript NM_014822.4 (MANE Select); coding-DNA position 188, C replaced by T.
Protein change: p.Pro63Leu; replaces proline 63 with leucine.
Molecular consequence: missense variant.
Genome position (GRCh38, 1-based): chr4:118,824,680, G>A on the plus strand (C>T on the coding strand, the complement: SEC24D is on the minus strand). VCF-style: chr4-118824680-G-A. GRCh37 (hg19) VCF-style: chr4-119745835-G-A.
Other names: c.188C>T, p.Pro63Leu (NM_001318066.2); short protein forms P63L.
Identifiers: ClinVar variation 2082766 (VCV002082766.4), dbSNP rs1033987389, ClinGen allele CA104665041.
Genomic context (GRCh38, chr4:118,824,680, plus strand): 5'-CTTTGGGGAGGGTGACCAGTGGCATGAGCTCCATTCTGACCAAACTGATGGGGTCCAGGA[G>A]GTGGGGGACCCGGAGGCAACATTCCCCTAGTGGCGGTGGCCCCCAAAGGCCCTGCTGGCT-3'
Protein context (NP_055637.2, residues 53-73): TRGMLPPGPP[Pro63Leu]PGPHQFGQNG

ClinVar aggregate classification (germline): Uncertain significance (1 of 4 stars; one submission).

Allele frequency attached by ClinVar (database versions not stated): gnomAD exomes below 0.00001; gnomAD 0.00004; TOPMed 0.00005.
gnomAD v4.1: 8 of 1,609,138 alleles (0.0005%); highest among the groups gnomAD compares: African/African-American, 0.011%; no homozygotes.

Submission:

Labcorp Genetics (formerly Invitae), Labcorp
Classification: Uncertain significance. Last evaluated: 2021-12-24. Review status: criteria provided, single submitter. Criteria: Invitae Variant Classification Sherloc (09022015). Collection method: clinical testing. Allele origin: germline.
Comment: This sequence change replaces proline, which is neutral and non-polar, with leucine, which is neutral and non-polar, at codon 63 of the SEC24D protein (p.Pro63Leu). This variant is present in population databases (no rsID available, gnomAD 0.01%). This variant has not been reported in the literature in individuals affected with SEC24D-related conditions. Algorithms developed to predict the effect of missense changes on protein structure and function are either unavailable or do not agree on the potential impact of this missense change (SIFT: "Not Available"; PolyPhen-2: "Possibly Damaging"; Align-GVGD: "Not Available"). In summary, the available evidence is currently insufficient to determine the role of this variant in disease. Therefore, it has been classified as a Variant of Uncertain Significance.